The following is an entry in ClinVar:

NM_001367624.2(ZNF469):c.6046G>A (p.Ala2016Thr)

Gene: ZNF469 (zinc finger protein 469; plus strand). Cytogenetic location: 16q24.2.
Variant type: single nucleotide variant.
Coding change: c.6046G>A on transcript NM_001367624.2 (MANE Select); coding-DNA position 6046, G replaced by A.
Protein change: p.Ala2016Thr; replaces alanine 2016 with threonine.
Molecular consequence: missense variant.
Genome position (GRCh38, 1-based): chr16:88,433,516, G>A. VCF-style: chr16-88433516-G-A. GRCh37 (hg19) VCF-style: chr16-88499924-G-A.
Other names: NM_001127464.1:c.5962G>A; short protein forms A2016T.
Identifiers: ClinVar variation 1395498 (VCV001395498.7), dbSNP rs368679510, ClinGen allele CA8225124.

ClinVar aggregate classification (germline): Uncertain significance. Review status: criteria provided, multiple submitters, no conflicts (2 of 4 stars). 2 submissions from 2 submitters: Uncertain significance (2). Last evaluated 2025-02-06.

Conditions:
Cardiovascular phenotype. Identifiers: MedGen CN230736.

Allele frequency attached by ClinVar (database versions not stated): TOPMed 0.00003; ExAC 0.00010; gnomAD exomes 0.00002; ESP Exome Variant Server 0.00022; gnomAD 0.00002.
gnomAD v4.1: 32 of 1,550,258 alleles (0.0021%); highest among the groups gnomAD compares: Middle Eastern, 0.017%; no homozygotes.

Submissions (2):

Ambry Genetics
Classification: Uncertain significance for Cardiovascular phenotype. Last evaluated: 2025-02-06. Review status: criteria provided, single submitter. Criteria: Ambry Variant Classification Scheme 2023. Collection method: clinical testing. Allele origin: germline.
Comment: The p.A1988T variant (also known as c.5962G>A), located in coding exon 2 of the ZNF469 gene, results from a G to A substitution at nucleotide position 5962. The alanine at codon 1988 is replaced by threonine, an amino acid with similar properties. This amino acid position is poorly conserved in available vertebrate species. In addition, this alteration is predicted to be tolerated by in silico analysis. Since supporting evidence is limited at this time, the clinical significance of this alteration remains unclear.

Labcorp Genetics (formerly Invitae), Labcorp
Classification: Uncertain significance. Last evaluated: 2024-11-11. Review status: criteria provided, single submitter. Criteria: Invitae Variant Classification Sherloc (09022015). Collection method: clinical testing. Allele origin: germline.
Comment: This sequence change replaces alanine, which is neutral and non-polar, with threonine, which is neutral and polar, at codon 1988 of the ZNF469 protein (p.Ala1988Thr). This variant is present in population databases (rs368679510, gnomAD 0.004%). This variant has not been reported in the literature in individuals affected with ZNF469-related conditions. ClinVar contains an entry for this variant (Variation ID: 1395498). An algorithm developed to predict the effect of missense changes on protein structure and function outputs the following: PolyPhen-2: "Benign". The threonine amino acid residue is found in multiple mammalian species, which suggests that this missense change does not adversely affect protein function. In summary, the available evidence is currently insufficient to determine the role of this variant in disease. Therefore, it has been classified as a Variant of Uncertain Significance.